The following is an entry in ClinVar:

ClinVar aggregate classification (germline): Uncertain significance (1 of 4 stars; one submission).

Allele frequency attached by ClinVar (database versions not stated): gnomAD exomes below 0.00001; ExAC 0.00001.

Submission:

Labcorp Genetics (formerly Invitae), Labcorp
Classification: Uncertain significance. Last evaluated: 2023-02-04. Review status: criteria provided, single submitter. Criteria: Invitae Variant Classification Sherloc (09022015). Collection method: clinical testing. Allele origin: germline.
Comment: This sequence change replaces threonine, which is neutral and polar, with isoleucine, which is neutral and non-polar, at codon 348 of the TAB2 protein (p.Thr348Ile). This variant is present in population databases (rs766370169, gnomAD 0.007%). This variant has not been reported in the literature in individuals affected with TAB2-related conditions. Advanced modeling of protein sequence and biophysical properties (such as structural, functional, and spatial information, amino acid conservation, physicochemical variation, residue mobility, and thermodynamic stability) performed at Invitae indicates that this missense variant is not expected to disrupt TAB2 protein function. In summary, the available evidence is currently insufficient to determine the role of this variant in disease. Therefore, it has been classified as a Variant of Uncertain Significance.

NM_001292034.3(TAB2):c.1043C>T (p.Thr348Ile)

Genes: TAB2 (TGF-beta activated kinase 1 (MAP3K7) binding protein 2; plus strand), LOC126859827 (BRD4-independent group 4 enhancer GRCh37_chr6:149699707-149700906; plus strand). Cytogenetic location: 6q25.1.
Variant type: single nucleotide variant.
Coding change: c.1043C>T on transcript NM_001292034.3 (MANE Select); coding-DNA position 1043, C replaced by T.
Protein change: p.Thr348Ile; replaces threonine 348 with isoleucine.
Molecular consequence: missense variant.
Genome position (GRCh38, 1-based): chr6:149,378,958, C>T. VCF-style: chr6-149378958-C-T. GRCh37 (hg19) VCF-style: chr6-149700094-C-T.
Other names: c.947C>T, p.Thr316Ile (NM_001292035.3); c.1043C>T, p.Thr348Ile (NM_001369506.1, NM_015093.6); short protein forms T316I, T348I.
Identifiers: ClinVar variation 2875759 (VCV002875759.3), dbSNP rs766370169, ClinGen allele CA4041476.